The following is an entry in ClinVar:

NM_002693.3(POLG):c.3102del (p.Lys1035fs)

Gene: POLG (DNA polymerase gamma, catalytic subunit; minus strand). Cytogenetic location: 15q26.1.
Variant type: Deletion.
Coding change: c.3102del on transcript NM_002693.3 (MANE Select); coding-DNA position 3102, one base deleted (G; older notation c.3102delG).
Protein change: p.Lys1035fs; shifts the reading frame from lysine 1035.
Molecular consequence: frameshift variant.
Genome position (GRCh38, 1-based): chr15:89,319,230, C deleted on the plus strand (G on the coding strand, the reverse complement: POLG is on the minus strand); the first of 2 consecutive C bases (chr15:89,319,230-89,319,231); deleting either gives the same sequence. VCF-style (leftmost placement, unchanged base first): chr15-89319229-TC-T. GRCh37 (hg19) VCF-style: chr15-89862460-TC-T.
Other names: c.3102del, p.Lys1035fs (NM_001126131.2); c.3102delG (NM_002693.3); short protein forms K1035fs.
Identifiers: ClinVar variation 872916 (VCV000872916.2), dbSNP rs2055358006, ClinGen allele CA1139664134.
Genomic context (GRCh38, chr15:89,319,229, plus strand): 5'-GCTCTTCTGGGGCAAGCCCAGACCCCTCCCTCCATCCTTAACACAAAGAAGGTTCTTACT[TC>T]CTTGCAGTTTCTCTCTGGACCTTGCGCAGATCCTGCAGGGAAATCCAGCCACCCTCAGTC-3'

ClinVar aggregate classification (germline): Pathogenic (1 of 4 stars; one submission).

Conditions:
Childhood myocerebrohepatopathy spectrum. Also called: Childhood Myocerebrohepatopathy Spectrum Disorders; Childhood Myocerebrohepatopathy Spectrum (MCHS). Identifiers: MedGen C3713421.

Submission:

Center of Excellence in Precision Medicine and Digital Health (CEPMDH), Faculty of Dentistry, Chulalongkorn University
Classification: Pathogenic for Childhood myocerebrohepatopathy spectrum. Review status: criteria provided, single submitter. Criteria: ACMG Guidelines, 2015. Collection method: research. Allele origin: germline. Inheritance: Autosomal recessive inheritance. Affected: yes and no. Observed: 2 variant alleles, 1 heterozygote, 1 compound heterozygote.
Comment: This variant is absent from database (gnomAD, 1000 Genomes Project Consortium, dbSNPs, in-house database) and classified as pathogenic using ACMG Guidelines.